The following is an entry in ClinVar:

NM_017654.4(SAMD9):c.2367G>T (p.Gln789His)

Gene: SAMD9 (sterile alpha motif domain containing 9; minus strand). Cytogenetic location: 7q21.2.
Variant type: single nucleotide variant.
Coding change: c.2367G>T on transcript NM_017654.4 (MANE Select); coding-DNA position 2367, G replaced by T.
Protein change: p.Gln789His; replaces glutamine 789 with histidine.
Molecular consequence: missense variant.
Genome position (GRCh38, 1-based): chr7:93,103,731, C>A on the plus strand (G>T on the coding strand, the complement: SAMD9 is on the minus strand). VCF-style: chr7-93103731-C-A. GRCh37 (hg19) VCF-style: chr7-92733044-C-A.
Other names: c.2367G>T, p.Gln789His (NM_001193307.2); short protein forms Q789H.
Identifiers: ClinVar variation 3369504 (VCV003369504.1).
Genomic context (GRCh38, chr7:93,103,731, plus strand): 5'-AAGATAGACATTATCTTGTTCTTCAAAATCATCAACAAGGAGTAGTACAGGTACGTATTC[C>A]TGACGGTTCATTGCCCCATAGGTGATTAAACTGGTTACCTGTTCTCCAATTTCAGAAAAA-3'
Protein context (NP_060124.2, residues 779-799): SLITYGAMNR[Gln789His]EYVPVLLLVD

ClinVar aggregate classification (germline): Uncertain significance (1 of 4 stars; one submission).

gnomAD v4.1: 4 of 1,613,868 alleles (0.00025%); highest among the groups gnomAD compares: Non-Finnish European, 0.00034%; no homozygotes.

Submission:

GeneDx
Classification: Uncertain significance. Last evaluated: 2024-02-21. Review status: criteria provided, single submitter. Criteria: GeneDx Variant Classification Process June 2021. Collection method: clinical testing. Allele origin: germline. Affected: yes.
Comment: Not observed at significant frequency in large population cohorts (gnomAD); In silico analysis supports that this missense variant does not alter protein structure/function; Has not been previously published as pathogenic or benign to our knowledge; This variant is associated with the following publications: (PMID: 28545555)